The following is an entry in ClinVar:

NM_004281.4(BAG3):c.1274T>A (p.Val425Glu)

Gene: BAG3 (BAG cochaperone 3; plus strand). Cytogenetic location: 10q26.11.
Variant type: single nucleotide variant.
Coding change: c.1274T>A on transcript NM_004281.4 (MANE Select); coding-DNA position 1274, T replaced by A.
Protein change: p.Val425Glu; replaces valine 425 with glutamic acid.
Molecular consequence: missense variant.
Genome position (GRCh38, 1-based): chr10:119,676,828, T>A. VCF-style: chr10-119676828-T-A. GRCh37 (hg19) VCF-style: chr10-121436340-T-A.
Other names: short protein forms V425E.
Identifiers: ClinVar variation 162785 (VCV000162785.5), dbSNP rs727502901, ClinGen allele CA175313.
Genomic context (GRCh38, chr10:119,676,828, plus strand): 5'-CTACACCTCCAAAACCAGGAGAAGCCGAGGCTCCCCCAAAACATCCAGGAGTGCTGAAAG[T>A]GGAAGCCATCCTGGAGAAGGTACAGGGGCTGGAGCAGGCTGTAGACAACTTTGAAGGCAA-3'
Protein context (NP_004272.2, residues 415-435): APPKHPGVLK[Val425Glu]EAILEKVQGL

ClinVar aggregate classification (germline): Uncertain significance. Review status: criteria provided, multiple submitters, no conflicts (2 of 4 stars). 2 submissions from 2 submitters: Uncertain significance (2). Last evaluated 2019-11-11.

Allele frequency attached by ClinVar (database versions not stated): gnomAD exomes below 0.00001.

Submissions (2):

Blueprint Genetics
Classification: Uncertain significance. Last evaluated: 2019-11-11. Review status: criteria provided, single submitter. Criteria: ACMG Guidelines, 2015. Collection method: clinical testing. Allele origin: germline.

Laboratory for Molecular Medicine, Mass General Brigham Personalized Medicine
Classification: Uncertain significance. Last evaluated: 2014-02-27. Review status: criteria provided, single submitter. Criteria: LMM Criteria. Collection method: clinical testing. Allele origin: germline. Observed: 1 variant allele.
Comment: The Val425Glu variant in BAG3 has not been reported in individuals with cardiomy opathy and data from large population studies is insufficient to assess the freq uency of this variant. Computational analyses (biochemical amino acid properties , conservation, AlignGVGD, PolyPhen2, and SIFT) do not provide strong support fo r or against an impact to the protein. Additional information is needed to fully assess the clinical significance of the Val425Glu variant.